The following is an entry in ClinVar:

ClinVar aggregate classification (germline): Uncertain significance (1 of 4 stars; one submission).

Conditions:
Inborn genetic diseases. Identifiers: MedGen C0950123, MeSH D030342.

Submission:

Ambry Genetics
Classification: Uncertain significance for Inborn genetic diseases. Last evaluated: 2016-10-04. Review status: criteria provided, single submitter. Criteria: Ambry Variant Classification Scheme 2023. Collection method: clinical testing. Allele origin: germline.
Comment: The p.F48I variant (also known as c.142T>A), located in coding exon 3 of the UBE2A gene, results from a T to A substitution at nucleotide position 142. The phenylalanine at codon 48 is replaced by isoleucine, an amino acid with highly similar properties. This variant was not reported in population based cohorts in the following databases: Database of Single Nucleotide Polymorphisms (dbSNP), NHLBI Exome Sequencing Project (ESP), and 1000 Genomes Project. In the ESP, this variant was not observed in 6503 samples with coverage at this position. This amino acid position is highly conserved in available vertebrate species. In addition, the in silico prediction for this alteration is inconclusive. Based upon the majority of available evidence, the clinical significance of this variant remains unclear.

NM_003336.4(UBE2A):c.142T>A (p.Phe48Ile)

Gene: UBE2A (ubiquitin conjugating enzyme E2 A; plus strand). Cytogenetic location: Xq24.
Variant type: single nucleotide variant.
Coding change: c.142T>A on transcript NM_003336.4 (MANE Select); coding-DNA position 142, T replaced by A.
Protein change: p.Phe48Ile; replaces phenylalanine 48 with isoleucine.
Molecular consequence: missense variant.
Genome position (GRCh38, 1-based): chrX:119,575,391, T>A. VCF-style: chrX-119575391-T-A. GRCh37 (hg19) VCF-style: chrX-118709354-T-A.
Other names: c.43T>A, p.Phe15Ile (NM_001282161.2); c.142T>A, p.Phe48Ile (NM_181762.3); short protein forms F15I, F48I.
Identifiers: ClinVar variation 1772477 (VCV001772477.2), dbSNP rs2520620796, ClinGen allele CA414374270.
Genomic context (GRCh38, chrX:119,575,391, plus strand): 5'-GGGGCCCCTTAAGTGGGAACTGACCATTTTTCTCTGTGTTGCAGGCCTGAAGGGACCCCG[T>A]TTGAGGATGGTAAGAGAGAGTTTCTTTACCCACTTTTCAGGAGCCTGGTCATCTGGGGAA-3'
Protein context (NP_003327.2, residues 38-58): AVIFGPEGTP[Phe48Ile]EDGTFKLTIE